The following is an entry in ClinVar:

ClinVar aggregate classification (germline): Conflicting classifications of pathogenicity. Review status: criteria provided, conflicting classifications (1 of 4 stars). 5 submissions from 5 submitters: Uncertain significance (3); Likely benign (2). Last evaluated 2026-03-27.

Conditions:
Connective tissue disorder. Also called: Connective tissue disease. Identifiers: MedGen C0009782, MONDO:0003900.
Familial thoracic aortic aneurysm and aortic dissection (TAAD). Also called: Thoracic aortic aneurysms and dissections. Identifiers: Orphanet 91387, MedGen C4707243, MONDO:0019625.
Aortic aneurysm, familial thoracic 7 (AAT7). Also called: AORTIC DISSECTION, FAMILIAL, WITH OR WITHOUT AORTIC ANEURYSM. Identifiers: MedGen C3151077, MONDO:0013418, OMIM 613780.

Allele frequency attached by ClinVar (database versions not stated): TOPMed below 0.00001; ExAC 0.00003; gnomAD exomes 0.00003.

Submissions (5):

Molecular Diagnostic Laboratory for Inherited Cardiovascular Disease, Montreal Heart Institute
Classification: Likely benign. Last evaluated: 2026-03-27. Review status: criteria provided, single submitter. Criteria: ACMG Guidelines, 2015. Collection method: clinical testing. Allele origin: germline. Affected: no.
Comment: BS1;BP1

Labcorp Genetics (formerly Invitae), Labcorp
Classification: Uncertain significance for Aortic aneurysm, familial thoracic 7. Last evaluated: 2024-01-27. Review status: criteria provided, single submitter. Criteria: Invitae Variant Classification Sherloc (09022015). Collection method: clinical testing. Allele origin: germline.
Comment: This sequence change replaces valine, which is neutral and non-polar, with methionine, which is neutral and non-polar, at codon 207 of the MYLK protein (p.Val207Met). This variant is present in population databases (rs756560698, gnomAD 0.02%). This missense change has been observed in individual(s) with clinical features of MYLK-related conditions (Invitae). ClinVar contains an entry for this variant (Variation ID: 264468). Advanced modeling of protein sequence and biophysical properties (such as structural, functional, and spatial information, amino acid conservation, physicochemical variation, residue mobility, and thermodynamic stability) performed at Invitae indicates that this missense variant is not expected to disrupt MYLK protein function with a negative predictive value of 95%. In summary, the available evidence is currently insufficient to determine the role of this variant in disease. Therefore, it has been classified as a Variant of Uncertain Significance.

GeneDx
Classification: Uncertain significance. Last evaluated: 2020-04-23. Review status: criteria provided, single submitter. Criteria: GeneDx Variant Classification Process June 2021. Collection method: clinical testing. Allele origin: germline. Affected: yes.
Comment: In silico analysis supports that this missense variant does not alter protein structure/function; Has not been previously published as pathogenic or benign to our knowledge; Reported in ClinVar (ClinVar Variant ID# 264468; Landrum et al., 2016)

Center for Human Genetics, Inc
Classification: Likely benign for Connective tissue disorder. Last evaluated: 2016-11-01. Review status: criteria provided, single submitter. Criteria: ACMG Guidelines, 2015. Collection method: clinical testing. Allele origin: germline. Affected: yes.

Ambry Genetics
Classification: Uncertain significance for Familial thoracic aortic aneurysm and aortic dissection. Last evaluated: 2015-11-13. Review status: criteria provided, single submitter. Criteria: Ambry Variant Classification Scheme 2023. Collection method: clinical testing. Allele origin: germline.
Comment: The p.V207M variant (also known as c.619G>A), located in coding exon 5 of the MYLK gene, results from a G to A substitution at nucleotide position 619. The valine at codon 207 is replaced by methionine, an amino acid with highly similar properties. This variant was not reported in population based cohorts in the following databases: Database of Single Nucleotide Polymorphisms (dbSNP), NHLBI Exome Sequencing Project (ESP), and 1000 Genomes Project. In the ESP, this variant was not observed in 6503 samples (13006 alleles) with coverage at this position. This amino acid position is not well conserved in available vertebrate species. In addition, this alteration is predicted to be tolerated by in silico analysis. Since supporting evidence is limited at this time, the clinical significance of this variant remains unclear.

NM_053025.4(MYLK):c.619G>A (p.Val207Met)

Gene: MYLK (myosin light chain kinase; minus strand). Cytogenetic location: 3q21.1.
Variant type: single nucleotide variant.
Coding change: c.619G>A on transcript NM_053025.4 (MANE Select); coding-DNA position 619, G replaced by A.
Protein change: p.Val207Met; replaces valine 207 with methionine.
Molecular consequence: missense variant.
Genome position (GRCh38, 1-based): chr3:123,737,513, C>T on the plus strand (G>A on the coding strand, the complement: MYLK is on the minus strand). VCF-style: chr3-123737513-C-T. GRCh37 (hg19) VCF-style: chr3-123456360-C-T.
Other names: c.91G>A, p.Val31Met (NM_001321309.2); c.619G>A, p.Val207Met (NM_053026.4, NM_053027.4, NM_053028.4); short protein forms V207M, V31M.
Identifiers: ClinVar variation 264468 (VCV000264468.20), dbSNP rs756560698, ClinGen allele CA073380.